The following is an entry in ClinVar:

NM_002691.4(POLD1):c.1575G>C (p.Arg525=)

Gene: POLD1 (DNA polymerase delta 1, catalytic subunit; plus strand). Cytogenetic location: 19q13.33.
Variant type: single nucleotide variant.
Coding change: c.1575G>C on transcript NM_002691.4 (MANE Select); coding-DNA position 1575, G replaced by C.
Protein change: p.Arg525=; no amino-acid change (arginine 525 retained).
Molecular consequence: synonymous variant. On other transcripts: non-coding transcript variant (1).
Genome position (GRCh38, 1-based): chr19:50,407,063, G>C. VCF-style: chr19-50407063-G-C. GRCh37 (hg19) VCF-style: chr19-50910320-G-C.
Other names: c.1575G>C, p.Arg525= (NM_001256849.1, NM_001308632.1).
Identifiers: ClinVar variation 711282 (VCV000711282.15), dbSNP rs984632459, ClinGen allele CA309601828.

ClinVar aggregate classification (germline): Benign/Likely benign. Review status: criteria provided, multiple submitters, no conflicts (2 of 4 stars). 4 submissions from 4 submitters: Benign (1); Likely benign (3). Last evaluated 2025-12-23.

Conditions:
POLD1-related polyposis and colorectal cancer syndrome (CRCS10). Also called: Colorectal cancer, susceptibility to, 10; Colorectal cancer 10; COLORECTAL CANCER, SUSCEPTIBILITY TO, ON CHROMOSOME 19q. Identifiers: Orphanet 220460, MedGen C2675481, MONDO:0012953, OMIM 612591.
Hereditary cancer-predisposing syndrome. Also called: Hereditary Cancer Syndrome; Hereditary neoplastic syndrome; Neoplastic Syndromes, Hereditary; Tumor predisposition. Identifiers: Orphanet 140162, MedGen C0027672, MeSH D009386, MONDO:0015356.

Allele frequency attached by ClinVar (database versions not stated): gnomAD exomes below 0.00001.
gnomAD v4.1: 3 of 1,613,790 alleles (0.00019%); highest among the groups gnomAD compares: Middle Eastern, 0.017%; no homozygotes.

Submissions (4):

Women's Health and Genetics/Laboratory Corporation of America, LabCorp
Classification: Likely benign. Last evaluated: 2025-12-23. Review status: criteria provided, single submitter. Criteria: LabCorp Variant Classification Summary - May 2015. Collection method: clinical testing. Allele origin: germline.

Labcorp Genetics (formerly Invitae), Labcorp
Classification: Likely benign for POLD1-related polyposis and colorectal cancer syndrome. Last evaluated: 2025-11-05. Review status: criteria provided, single submitter. Criteria: Invitae Variant Classification Sherloc (09022015). Collection method: clinical testing. Allele origin: germline.

Myriad Genetics, Inc.
Classification: Benign for POLD1-related polyposis and colorectal cancer syndrome. Last evaluated: 2025-02-07. Review status: criteria provided, single submitter. Criteria: Myriad Autosomal Dominant, Autosomal Recessive and X-Linked Classification Criteria (2023). Collection method: clinical testing. Allele origin: unknown.
Comment: This variant is considered benign. This variant is a silent/synonymous amino acid change and it is not expected to impact splicing.

Ambry Genetics
Classification: Likely benign for Hereditary cancer-predisposing syndrome. Last evaluated: 2015-07-22. Review status: criteria provided, single submitter. Criteria: Ambry Variant Classification Scheme 2023. Collection method: clinical testing. Allele origin: germline.